The following is an entry in ClinVar:

ClinVar aggregate classification (germline): Likely benign (0 of 4 stars; one submission).

Conditions:
ZNF804A-related disorder. Also called: ZNF804A-related condition.

Allele frequency attached by ClinVar (database versions not stated): gnomAD exomes 0.00024; ExAC 0.00071; 1000 Genomes Project 0.00160; 1000 Genomes Project 30x 0.00203; gnomAD 0.00267; TOPMed 0.00301; ESP Exome Variant Server 0.00361.
gnomAD v4.1: 779 of 1,614,108 alleles (0.048%); highest among the groups gnomAD compares: African/African-American, 0.94%; 5 homozygotes.

Submission:

PreventionGenetics, part of Exact Sciences
Classification: Likely benign for ZNF804A-related condition. Last evaluated: 2021-06-18. Review status: no assertion criteria provided. Collection method: clinical testing. Allele origin: germline.
Comment: This variant is classified as likely benign based on ACMG/AMP sequence variant interpretation guidelines (Richards et al. 2015 PMID: 25741868, with internal and published modifications).

NM_194250.2(ZNF804A):c.3037A>T (p.Ser1013Cys)

Gene: ZNF804A (zinc finger protein 804A; plus strand). Cytogenetic location: 2q32.1.
Variant type: single nucleotide variant.
Coding change: c.3037A>T on transcript NM_194250.2 (MANE Select); coding-DNA position 3037, A replaced by T.
Protein change: p.Ser1013Cys; replaces serine 1013 with cysteine.
Molecular consequence: missense variant.
Genome position (GRCh38, 1-based): chr2:184,938,433, A>T. VCF-style: chr2-184938433-A-T. GRCh37 (hg19) VCF-style: chr2-185803160-A-T.
Other names: short protein forms S1013C.
Identifiers: ClinVar variation 3050775 (VCV003050775.2), dbSNP rs142034505, ClinGen allele CA2016242.
Genomic context (GRCh38, chr2:184,938,433, plus strand): 5'-CGTTATAATTCAGGAATCCTTAACACACAACCACCATTACCATTCAAAGAAGCACATGTC[A>T]GTGGTCATACTTTTGTAACAGCTGAGCAAATCCTGGCTCCATTAGCTTTACCAGAGCAAG-3'
Protein context (NP_919226.1, residues 1003-1023): PPLPFKEAHV[Ser1013Cys]GHTFVTAEQI